The following is an entry in ClinVar:

NM_001267550.2(TTN):c.45616+1G>T

Genes: TTN (titin; minus strand), LOC126806427 (BRD4-independent group 4 enhancer GRCh37_chr2:179485777-179486976; plus strand). Cytogenetic location: 2q31.2.
Variant type: single nucleotide variant.
Coding change: c.45616+1G>T on transcript NM_001267550.2 (MANE Select); the canonical splice donor site of the intron after coding-DNA position 45616, G replaced by T.
Molecular consequence: splice donor variant.
Genome position (GRCh38, 1-based): chr2:178,621,101, C>A on the plus strand (G>T on the coding strand, the complement: TTN is on the minus strand). VCF-style: chr2-178621101-C-A. GRCh37 (hg19) VCF-style: chr2-179485828-C-A.
Other names: c.37912+1G>T (NM_133378.4); c.40693+1G>T (NM_001256850.1); c.18421+1G>T (NM_003319.4); c.18997+1G>T (NM_133437.4); c.18796+1G>T (NM_133432.3).
Identifiers: ClinVar variation 4866216 (VCV004866216.1).

ClinVar aggregate classification (germline): Uncertain significance (1 of 4 stars; one submission).

Conditions:
Cardiovascular phenotype. Identifiers: MedGen CN230736.

Submission:

Ambry Genetics
Classification: Uncertain significance for Cardiovascular phenotype. Last evaluated: 2026-04-29. Review status: criteria provided, single submitter. Criteria: Ambry Variant Classification Scheme 2023. Collection method: clinical testing. Allele origin: germline.
Comment: The c.18421+1G>T intronic variant results from a G to T substitution one nucleotide after coding exon 73 of the TTN gene. This exon is located in the I-band region of the N2-B isoform of the titin protein and is constitutively expressed in TTN transcripts (percent spliced in or PSI 100%). This nucleotide position is highly conserved in available vertebrate species. In silico splice site analysis predicts that this alteration will weaken the native splice donor site and will result in the creation or strengthening of a novel splice donor site. This variant disrupts the canonical splice site and is expected to cause aberrant splicing. However, although direct evidence is unavailable, this variant is predicted to result in an in-frame transcript that is not expected to trigger nonsense-mediated mRNA decay. The exact functional effect of the predicted splice impact is unknown. Based on the available evidence, the clinical significance of this variant remains unclear.